The following is an entry in ClinVar:

NM_000260.4(MYO7A):c.784dup (p.Met262fs)

Gene: MYO7A (myosin VIIA; plus strand). Cytogenetic location: 11q13.5.
Variant type: Duplication.
Coding change: c.784dup on transcript NM_000260.4 (MANE Select); coding-DNA position 784, one base duplicated (A; older notation c.784dupA).
Protein change: p.Met262fs; shifts the reading frame from methionine 262.
Molecular consequence: frameshift variant.
Genome position (GRCh38, 1-based): chr11:77,157,327, A duplicated. VCF-style (leftmost placement, unchanged base first): chr11-77157326-T-TA. GRCh37 (hg19) VCF-style: chr11-76868372-T-TA.
Other names: c.784dup, p.Met262fs (NM_001127180.2); c.751dup, p.Met251fs (NM_001369365.1); short protein forms M251fs, M262fs.
Identifiers: ClinVar variation 5011593 (VCV005011593.1).

ClinVar aggregate classification (germline): Pathogenic (1 of 4 stars; one submission).

Conditions:
Usher syndrome type 1 (USH1). Also called: RETINITIS PIGMENTOSA AND CONGENITAL DEAFNESS. Identifiers: Orphanet 231169, Orphanet 886, MedGen C1568247, MONDO:0010168, OMIM 276900.

Submission:

Myriad Genetics, Inc.
Classification: Pathogenic for Usher syndrome type 1. Last evaluated: 2023-09-07. Review status: criteria provided, single submitter. Criteria: Myriad Autosomal Dominant, Autosomal Recessive and X-Linked Classification Criteria (2023). Collection method: clinical testing. Allele origin: unknown.
Comment: NM_000260.3(MYO7A):c.784dupA(M262Nfs*3) is expected to be pathogenic in the context of MYO7A-related disorders. This variant is predicted to lead to an abnormal or absent protein product due to the creation of a premature termination codon in MYO7A, a gene where loss-of-function variants are known to be pathogenic. Please note: this variant was assessed in the context of healthy population screening.